The following is an entry in ClinVar:

ClinVar aggregate classification (germline): Conflicting classifications of pathogenicity. Review status: criteria provided, conflicting classifications (1 of 4 stars). 7 submissions from 7 submitters: Likely pathogenic (1); Uncertain significance (5). 1 of the submissions does not count toward it. Last evaluated 2026-01-05.

Conditions:
Primary ciliary dyskinesia. Also called: Ciliary dyskinesia. Identifiers: Orphanet 244, MedGen C0008780, MONDO:0016575, HP:0012265.
Primary ciliary dyskinesia 3. Identifiers: Orphanet 244, MedGen C1837618, MONDO:0012085, OMIM 608644.

Allele frequency attached by ClinVar (database versions not stated): ExAC 0.00006; gnomAD exomes 0.00006; gnomAD 0.00008 and 0.00009; TOPMed 0.00012; 1000 Genomes Project 30x 0.00031; 1000 Genomes Project 0.00040.
gnomAD v4.1: 259 of 1,613,500 alleles (0.016%); highest among the groups gnomAD compares: Non-Finnish European, 0.02%; no homozygotes.

Submissions (7):

Labcorp Genetics (formerly Invitae), Labcorp
Classification: Likely pathogenic for Primary ciliary dyskinesia. Last evaluated: 2026-01-05. Review status: criteria provided, single submitter. Criteria: Invitae Variant Classification Sherloc (09022015). Collection method: clinical testing. Allele origin: germline.
Comment: This sequence change replaces arginine, which is basic and polar, with histidine, which is basic and polar, at codon 2943 of the DNAH5 protein (p.Arg2943His). This variant is present in population databases (rs184758570, gnomAD 0.01%). This variant has not been reported in the literature in individuals affected with DNAH5-related conditions. ClinVar contains an entry for this variant (Variation ID: 454812). Invitae Evidence Modeling of protein sequence and biophysical properties (such as structural, functional, and spatial information, amino acid conservation, physicochemical variation, residue mobility, and thermodynamic stability) has been performed for this missense variant. However, the output from this modeling did not meet the statistical confidence thresholds required to predict the impact of this variant on DNAH5 protein function. Algorithms developed to predict the effect of sequence changes on RNA splicing suggest that this variant may disrupt the consensus splice site. This variant disrupts the p.Arg2943 amino acid residue in DNAH5. Other variant(s) that disrupt this residue have been determined to be pathogenic (internal data). This suggests that this residue is clinically significant, and that variants that disrupt this residue are likely to be disease-causing. In summary, the currently available evidence indicates that the variant is pathogenic, but additional data are needed to prove that conclusively. Therefore, this variant has been classified as Likely Pathogenic.

Ambry Genetics
Classification: Uncertain significance for Primary ciliary dyskinesia. Last evaluated: 2025-04-15. Review status: criteria provided, single submitter. Criteria: Ambry Variant Classification Scheme 2023. Collection method: clinical testing. Allele origin: germline.
Comment: The p.R2943H variant (also known as c.8828G>A), located in coding exon 53 of the DNAH5 gene, results from a G to A substitution at nucleotide position 8828. The arginine at codon 2943 is replaced by histidine, an amino acid with highly similar properties. This amino acid position is highly conserved in available vertebrate species. In addition, this alteration is predicted to be deleterious by in silico analysis. Based on the available evidence, the clinical significance of this variant remains unclear.

Intergen Genetics and Rare Diseases Diagnosis Center
Classification: Uncertain significance for Primary ciliary dyskinesia 3. Last evaluated: 2023-11-14. Review status: criteria provided, single submitter. Criteria: ACMG Guidelines, 2015. Collection method: clinical testing. Allele origin: germline. Inheritance: Autosomal recessive inheritance. Observed: 1 heterozygote.

Blueprint Genetics
Classification: Uncertain significance. Last evaluated: 2023-05-22. Review status: criteria provided, single submitter. Criteria: ACMG Guidelines, 2015. Collection method: clinical testing. Allele origin: germline.

Illumina Laboratory Services, Illumina
Classification: Uncertain significance for Primary ciliary dyskinesia 3. Last evaluated: 2018-01-12. Review status: criteria provided, single submitter. Criteria: ICSL Variant Classification Criteria 13 December 2019. Collection method: clinical testing. Allele origin: germline.

Breakthrough Genomics
Classification: Uncertain significance. Review status: criteria provided, single submitter. Criteria: ACMG Guidelines, 2015. Collection method: not provided. Allele origin: germline. Inheritance: Autosomal recessive inheritance. Affected: yes.

Natera, Inc.
Classification: Uncertain significance for Primary ciliary dyskinesia. Last evaluated: 2020-02-12. Review status: no assertion criteria provided. Collection method: clinical testing. Allele origin: germline. Not counted in ClinVar's aggregate classification.

NM_001369.3(DNAH5):c.8828G>A (p.Arg2943His)

Gene: DNAH5 (dynein axonemal heavy chain 5; minus strand). Cytogenetic location: 5p15.2.
Variant type: single nucleotide variant.
Coding change: c.8828G>A on transcript NM_001369.3 (MANE Select); coding-DNA position 8828, G replaced by A.
Protein change: p.Arg2943His; replaces arginine 2943 with histidine.
Molecular consequence: missense variant.
Genome position (GRCh38, 1-based): chr5:13,780,952, C>T on the plus strand (G>A on the coding strand, the complement: DNAH5 is on the minus strand). VCF-style: chr5-13780952-C-T. GRCh37 (hg19) VCF-style: chr5-13781061-C-T.
Other names: short protein forms R2943H.
Identifiers: ClinVar variation 454812 (VCV000454812.19), dbSNP rs184758570, ClinGen allele CA3202698.